The following is an entry in ClinVar:

ClinVar aggregate classification (germline): Likely pathogenic (1 of 4 stars; one submission).

Conditions:
Hypogonadotropic hypogonadism 1 with or without anosmia (HH1). Also called: Kallmann syndrome, type 1, X-linked; DYSPLASIA OLFACTOGENITALIS OF DE MORSIER; KAL1-Related GnRH Deficiency (Kallmann Syndrome 1; Kallmann Syndrome, X-Linked); HYPOGONADOTROPIC HYPOGONADISM 1 WITH ANOSMIA; Hypogonadotropic hypogonadism 1 with or without anosmia (Kallmann syndrome 1); HYPOGONADOTROPIC HYPOGONADISM AND ANOSMIA. Identifiers: Orphanet 478, MedGen C1563719, MONDO:0010635, OMIM 308700. Disease mechanism: loss of function.

Submission:

MVZ Medizinische Genetik Mainz
Classification: Likely pathogenic for Hypogonadotropic hypogonadism 1 with or without anosmia. Last evaluated: 2023-06-27. Review status: criteria provided, single submitter. Criteria: UK Practice Guidelines For Variant Classification V4 01 2020. Collection method: clinical testing. Allele origin: germline. Inheritance: X-linked dominant inheritance. Affected: yes. Observed: 1 variant allele.
Comment: PVS1,PM2_SUP

NM_000216.4(ANOS1):c.1449+1G>T

Gene: ANOS1 (anosmin 1; minus strand). Cytogenetic location: Xp22.31.
Variant type: single nucleotide variant.
Coding change: c.1449+1G>T on transcript NM_000216.4 (MANE Select); the canonical splice donor site of the intron after coding-DNA position 1449, G replaced by T.
Molecular consequence: splice donor variant.
Genome position (GRCh38, 1-based): chrX:8,539,663, C>A on the plus strand (G>T on the coding strand, the complement: ANOS1 is on the minus strand). VCF-style: chrX-8539663-C-A. GRCh37 (hg19) VCF-style: chrX-8507704-C-A.
Identifiers: ClinVar variation 3061872 (VCV003061872.1), dbSNP rs1601946139, ClinGen allele CA411989984.